The following is an entry in ClinVar:

NM_004336.5(BUB1):c.293C>T (p.Ser98Leu)

Gene: BUB1 (BUB1 mitotic checkpoint serine/threonine kinase; minus strand). Cytogenetic location: 2q13.
Variant type: single nucleotide variant.
Coding change: c.293C>T on transcript NM_004336.5 (MANE Select); coding-DNA position 293, C replaced by T.
Protein change: p.Ser98Leu; replaces serine 98 with leucine.
Molecular consequence: missense variant.
Genome position (GRCh38, 1-based): chr2:110,672,790, G>A on the plus strand (C>T on the coding strand, the complement: BUB1 is on the minus strand). VCF-style: chr2-110672790-G-A. GRCh37 (hg19) VCF-style: chr2-111430367-G-A.
Other names: c.233C>T, p.Ser78Leu (NM_001278616.2); c.293C>T, p.Ser98Leu (NM_001278617.2); short protein forms S78L, S98L.
Identifiers: ClinVar variation 3262123 (VCV003262123.1).
Genomic context (GRCh38, chr2:110,672,790, plus strand): 5'-GCATGCTGCAGCTCTCCTTGGGCTTCCAGATGCCCCGCCCAGGCAATGTACAGAGGGGAT[G>A]ACAGGGTTCCAATCCCATGGTTGTACAGAAACTCAAAAAATTGATGGAGGTCACTGTTGT-3'
Protein context (NP_004327.1, residues 88-108): FLYNHGIGTL[Ser98Leu]SPLYIAWAGH

ClinVar aggregate classification (germline): Uncertain significance (1 of 4 stars; one submission).

Submission:

Ambry Genetics
Classification: Uncertain significance. Last evaluated: 2024-03-16. Review status: criteria provided, single submitter. Criteria: Ambry Variant Classification Scheme 2023. Collection method: clinical testing. Allele origin: germline.
Comment: The p.S98L variant (also known as c.293C>T), located in coding exon 4 of the BUB1 gene, results from a C to T substitution at nucleotide position 293. The serine at codon 98 is replaced by leucine, an amino acid with dissimilar properties. This amino acid position is conserved. In addition, the in silico prediction for this alteration is inconclusive. Based on the available evidence, the clinical significance of this alteration remains unclear.